The following is an entry in ClinVar:

ClinVar aggregate classification (germline): Uncertain significance (1 of 4 stars; one submission).

Submission:

GeneDx
Classification: Uncertain significance. Last evaluated: 2026-01-15. Review status: criteria provided, single submitter. Criteria: GeneDx Variant Classification Process June 2021. Collection method: clinical testing. Allele origin: germline.
Comment: Not observed at significant frequency in large population cohorts (gnomAD); In silico analysis supports that this missense variant has a deleterious effect on protein structure/function; Has not been previously published as pathogenic or benign to our knowledge

NM_198503.5(KCNT2):c.1461T>G (p.Asn487Lys)

Gene: KCNT2 (potassium sodium-activated channel subfamily T member 2; minus strand). Cytogenetic location: 1q31.3.
Variant type: single nucleotide variant.
Coding change: c.1461T>G on transcript NM_198503.5 (MANE Select); coding-DNA position 1461, T replaced by G.
Protein change: p.Asn487Lys; replaces asparagine 487 with lysine.
Molecular consequence: missense variant. On other transcripts: non-coding transcript variant (2), intron variant (1).
Genome position (GRCh38, 1-based): chr1:196,342,171, A>C on the plus strand (T>G on the coding strand, the complement: KCNT2 is on the minus strand). VCF-style: chr1-196342171-A-C. GRCh37 (hg19) VCF-style: chr1-196311301-A-C.
Other names: c.1461T>G, p.Asn487Lys (NM_001287819.3); c.1404-1601T>G (NM_001287820.3); short protein forms N487K.
Identifiers: ClinVar variation 3367929 (VCV003367929.2).